The following is an entry in ClinVar:

ClinVar aggregate classification (germline): Conflicting classifications of pathogenicity. Review status: criteria provided, conflicting classifications (1 of 4 stars). 7 submissions from 7 submitters: Uncertain significance (2); Benign (1); Likely benign (4). Last evaluated 2026-01-26.

Conditions:
Congenital muscular dystrophy due to partial LAMA2 deficiency. Identifiers: MedGen C1842898.
LAMA2-related muscular dystrophy (LAMA2-RD). Also called: Laminin alpha 2-related dystrophy. Identifiers: MedGen C5679788, MONDO:0100228.

Allele frequency attached by ClinVar (database versions not stated): 1000 Genomes Project 0.00020; 1000 Genomes Project 30x 0.00031; ExAC 0.00059; gnomAD 0.00061 and 0.00065; ESP Exome Variant Server 0.00062; gnomAD exomes 0.00064 and 0.00133; TOPMed 0.00068.
gnomAD v4.1: 2,002 of 1,611,532 alleles (0.12%); highest among the groups gnomAD compares: Non-Finnish European, 0.16%; 5 homozygotes.

Submissions (7):

Labcorp Genetics (formerly Invitae), Labcorp
Classification: Benign for LAMA2-related muscular dystrophy. Last evaluated: 2026-01-26. Review status: criteria provided, single submitter. Criteria: Invitae Variant Classification Sherloc (09022015). Collection method: clinical testing. Allele origin: germline.

Mayo Clinic Laboratories, Mayo Clinic
Classification: Likely benign. Last evaluated: 2025-08-04. Review status: criteria provided, single submitter. Criteria: ACMG Guidelines, 2015. Collection method: clinical testing. Allele origin: germline. Observed: 8 variant alleles.
Comment: BP4, BP7

Blueprint Genetics
Classification: Likely benign. Last evaluated: 2024-09-25. Review status: criteria provided, single submitter. Criteria: ACMG Guidelines, 2015. Collection method: clinical testing. Allele origin: germline.

GeneDx
Classification: Likely benign. Last evaluated: 2018-04-25. Review status: criteria provided, single submitter. Criteria: GeneDx Variant Classification Process June 2021. Collection method: clinical testing. Allele origin: germline. Affected: yes.

Illumina Laboratory Services, Illumina
Classification: Uncertain significance for Congenital muscular dystrophy due to partial LAMA2 deficiency. Last evaluated: 2018-01-12. Review status: criteria provided, single submitter. Criteria: ICSL Variant Classification Criteria 13 December 2019. Collection method: clinical testing. Allele origin: germline.

Genetic Services Laboratory, University of Chicago
Classification: Likely benign. Last evaluated: 2016-10-05. Review status: criteria provided, single submitter. Criteria: ACMG Guidelines, 2015. Collection method: clinical testing. Allele origin: germline. Affected: no.

Eurofins Ntd Llc (ga)
Classification: Uncertain significance. Last evaluated: 2013-06-11. Review status: criteria provided, single submitter. Criteria: EGL Classification Definitions 2015. Collection method: clinical testing. Allele origin: germline. Observed: 2 variant alleles, 2 heterozygotes.

NM_000426.4(LAMA2):c.2115T>G (p.Leu705=)

Gene: LAMA2 (laminin subunit alpha 2; plus strand). Cytogenetic location: 6q22.33.
Variant type: single nucleotide variant.
Coding change: c.2115T>G on transcript NM_000426.4 (MANE Select); coding-DNA position 2115, T replaced by G.
Protein change: p.Leu705=; no amino-acid change (leucine 705 retained).
Molecular consequence: synonymous variant.
Genome position (GRCh38, 1-based): chr6:129,260,729, T>G. VCF-style: chr6-129260729-T-G. GRCh37 (hg19) VCF-style: chr6-129581874-T-G.
Other names: p.Leu705=; c.2115T>G, p.Leu705= (NM_001079823.2).
Identifiers: ClinVar variation 92945 (VCV000092945.27), dbSNP rs149753273, ClinGen allele CA220751.